The following is an entry in ClinVar:

ClinVar aggregate classification (germline): Likely benign. Review status: criteria provided, multiple submitters, no conflicts (2 of 4 stars). 6 submissions from 6 submitters: Likely benign (5). 1 of the submissions does not count toward it. Last evaluated 2026-06-01.

Conditions:
DST-related disorder. Also called: DST-related condition; DST-related disorders.
Inborn genetic diseases. Identifiers: MedGen C0950123, MeSH D030342.
Hereditary sensory and autonomic neuropathy type 6. Also called: Neuropathy, hereditary sensory and autonomic, type VI; HSAN VI. Identifiers: Orphanet 314381, MedGen C3539003, MONDO:0013839, OMIM 614653.
Epidermolysis bullosa simplex 3, localized or generalized intermediate, with BP230 deficiency (EBS3). Also called: Epidermolysis bullosa simplex due to BP230 deficiency; Epidermolysis bullosa simplex, autosomal recessive 2. Identifiers: Orphanet 412181, MedGen C3809470, MONDO:0014180, OMIM 615425.

Allele frequency attached by ClinVar (database versions not stated): 1000 Genomes Project 0.00140; 1000 Genomes Project 30x 0.00156; ESP Exome Variant Server 0.00231; gnomAD 0.00240 and 0.00245; TOPMed 0.00261; ExAC 0.00263; gnomAD exomes 0.00266 and 0.00349.
gnomAD v4.1: 5,429 of 1,614,168 alleles (0.34%); highest among the groups gnomAD compares: Non-Finnish European, 0.4%; 13 homozygotes.

Submissions (6):

CeGaT Center for Human Genetics Tuebingen
Classification: Likely benign. Last evaluated: 2026-06-01. Review status: criteria provided, single submitter. Criteria: CeGaT Center For Human Genetics Tuebingen Variant Classification Criteria Version 2. Collection method: clinical testing. Allele origin: germline. Affected: yes. Observed: 10 variant alleles.
Comment: DST: BP4, BS2

Labcorp Genetics (formerly Invitae), Labcorp
Classification: Likely benign for Epidermolysis bullosa simplex 3, localized or generalized intermediate, with BP230 deficiency; Hereditary sensory and autonomic neuropathy type 6. Last evaluated: 2026-02-03. Review status: criteria provided, single submitter. Criteria: Invitae Variant Classification Sherloc (09022015). Collection method: clinical testing. Allele origin: germline.

Women's Health and Genetics/Laboratory Corporation of America, LabCorp
Classification: Likely benign. Last evaluated: 2025-03-18. Review status: criteria provided, single submitter. Criteria: LabCorp Variant Classification Summary - May 2015. Collection method: clinical testing. Allele origin: germline.
Comment: Variant summary: DST c.5153A>C (p.Lys1718Thr) results in a non-conservative amino acid change in the encoded protein sequence. Two of four in-silico tools predict a benign effect of the variant on protein function. The variant allele was found at a frequency of 0.0034 in 1607194 control chromosomes, predominantly at a frequency of 0.004 within the Non-Finnish European subpopulation in the gnomAD database, including 10 homozygotes. The observed variant frequency within Non-Finnish European control individuals in the gnomAD database is approximately 3.5-fold of the estimated maximal expected allele frequency for a pathogenic variant in DST causing Epidermolysis bullosa simplex 3, localized or generalized intermediate, with BP230 deficiency phenotype (0.0011). To our knowledge, no occurrence of c.5153A>C in individuals affected with Epidermolysis bullosa simplex 3, localized or generalized intermediate, with BP230 deficiency and no experimental evidence demonstrating its impact on protein function have been reported. ClinVar contains an entry for this variant (Variation ID: 357566). Based on the evidence outlined above, the variant was classified as likely benign.

Blueprint Genetics
Classification: Likely benign. Last evaluated: 2024-11-26. Review status: criteria provided, single submitter. Criteria: ACMG Guidelines, 2015. Collection method: clinical testing. Allele origin: germline.

Ambry Genetics
Classification: Likely benign for Inborn genetic diseases. Last evaluated: 2023-06-21. Review status: criteria provided, single submitter. Criteria: Ambry Variant Classification Scheme 2023. Collection method: clinical testing. Allele origin: germline.

PreventionGenetics, part of Exact Sciences
Classification: Likely benign for DST-related condition. Last evaluated: 2023-05-11. Review status: no assertion criteria provided. Collection method: clinical testing. Allele origin: germline. Not counted in ClinVar's aggregate classification.
Comment: This variant is classified as likely benign based on ACMG/AMP sequence variant interpretation guidelines (Richards et al. 2015 PMID: 25741868, with internal and published modifications).

NM_001723.7(DST):c.5153A>C (p.Lys1718Thr)

Gene: DST (dystonin; minus strand). Cytogenetic location: 6p12.1.
Variant type: single nucleotide variant.
Coding change: c.5153A>C on transcript NM_001723.7 (MANE Plus Clinical); coding-DNA position 5153, A replaced by C.
Protein change: p.Lys1718Thr; replaces lysine 1718 with threonine.
Molecular consequence: missense variant. On other transcripts: intron variant (10).
Genome position (GRCh38, 1-based): chr6:56,618,881, T>G on the plus strand (A>C on the coding strand, the complement: DST is on the minus strand). VCF-style: chr6-56618881-T-G. GRCh37 (hg19) VCF-style: chr6-56483679-T-G.
Other names: c.4831-4397A>C (NM_001144769.5, NM_001144769.2); c.4930-4397A>C (NM_001374722.1, NM_001374736.1); c.4957-4397A>C (NM_001374734.1); c.4417-4397A>C (NM_001144770.2); c.4297-4397A>C (NM_001374730.1, NM_001386100.1, NM_183380.4 and 1 more transcripts); c.3319-4397A>C (NM_015548.5); short protein forms K1718T.
Identifiers: ClinVar variation 357566 (VCV000357566.54), dbSNP rs45487998, ClinGen allele CA3870408.